The following is an entry in ClinVar:

NM_015311.3(OBSL1):c.1636G>A (p.Glu546Lys)

Gene: OBSL1 (obscurin like cytoskeletal adaptor 1; minus strand). Cytogenetic location: 2q35.
Variant type: single nucleotide variant.
Coding change: c.1636G>A on transcript NM_015311.3 (MANE Select); coding-DNA position 1636, G replaced by A.
Protein change: p.Glu546Lys; replaces glutamic acid 546 with lysine.
Molecular consequence: missense variant.
Genome position (GRCh38, 1-based): chr2:219,567,474, C>T on the plus strand (G>A on the coding strand, the complement: OBSL1 is on the minus strand). VCF-style: chr2-219567474-C-T. GRCh37 (hg19) VCF-style: chr2-220432196-C-T.
Other names: c.1636G>A, p.Glu546Lys (NM_001173408.2, NM_001173431.2); short protein forms E546K.
Identifiers: ClinVar variation 1355598 (VCV001355598.3), dbSNP rs374217934, ClinGen allele CA2131474.
Genomic context (GRCh38, chr2:219,567,474, plus strand): 5'-ACTGAATCCAGTCTTCAGAGCCCACTTCCTGCCGCTCCAGCCGGTAGATGAATGGGGTCT[C>T]GGGAGCTGGCTCGGGAGGCTTCCAGGTCAACAGGACCGTGTTCTTGTGGCCCTTGAACAT-3'
Protein context (NP_056126.1, residues 536-556): LTWKPPEPAP[Glu546Lys]TPFIYRLERQ

ClinVar aggregate classification (germline): Uncertain significance (1 of 4 stars; one submission).

Allele frequency attached by ClinVar (database versions not stated): gnomAD exomes 0.00004 and 0.00011; ExAC 0.00005; gnomAD 0.00007 and 0.00009; TOPMed 0.00007; ESP Exome Variant Server 0.00016.
gnomAD v4.1: 175 of 1,613,450 alleles (0.011%); highest among the groups gnomAD compares: Non-Finnish European, 0.013%; no homozygotes.

Submission:

Labcorp Genetics (formerly Invitae), Labcorp
Classification: Uncertain significance. Last evaluated: 2022-07-05. Review status: criteria provided, single submitter. Criteria: Invitae Variant Classification Sherloc (09022015). Collection method: clinical testing. Allele origin: germline.
Comment: This sequence change replaces glutamic acid, which is acidic and polar, with lysine, which is basic and polar, at codon 546 of the OBSL1 protein (p.Glu546Lys). This variant is present in population databases (rs374217934, gnomAD 0.01%). This variant has not been reported in the literature in individuals affected with OBSL1-related conditions. ClinVar contains an entry for this variant (Variation ID: 1355598). Algorithms developed to predict the effect of missense changes on protein structure and function (SIFT, PolyPhen-2, Align-GVGD) all suggest that this variant is likely to be tolerated. In summary, the available evidence is currently insufficient to determine the role of this variant in disease. Therefore, it has been classified as a Variant of Uncertain Significance.